The following is an entry in ClinVar:

ClinVar aggregate classification (germline): Pathogenic (1 of 4 stars; one submission).

Submission:

CeGaT Center for Human Genetics Tuebingen
Classification: Pathogenic. Last evaluated: 2025-03-01. Review status: criteria provided, single submitter. Criteria: CeGaT Center For Human Genetics Tuebingen Variant Classification Criteria Version 2. Collection method: clinical testing. Allele origin: germline. Affected: yes. Observed: 1 variant allele.
Comment: ZIC2: PVS1, PM2, PS2:Moderate

NM_007129.5(ZIC2):c.106C>T (p.Gln36Ter)

Gene: ZIC2 (Zic family zinc finger 2; plus strand). Cytogenetic location: 13q32.3.
Variant type: single nucleotide variant.
Coding change: c.106C>T on transcript NM_007129.5 (MANE Select); coding-DNA position 106, C replaced by T.
Protein change: p.Gln36Ter; replaces glutamine 36 with a stop codon.
Molecular consequence: nonsense.
Genome position (GRCh38, 1-based): chr13:99,982,170, C>T. VCF-style: chr13-99982170-C-T. GRCh37 (hg19) VCF-style: chr13-100634424-C-T.
Other names: short protein forms Q36*.
Identifiers: ClinVar variation 3778458 (VCV003778458.7).